The following is an entry in ClinVar:

ClinVar aggregate classification (germline): Pathogenic/Likely pathogenic. Review status: criteria provided, multiple submitters, no conflicts (2 of 4 stars). 7 submissions from 7 submitters: Pathogenic (5); Likely pathogenic (2). Last evaluated 2026-04-29.

Conditions:
Cardiovascular phenotype. Identifiers: MedGen CN230736.
Catecholaminergic polymorphic ventricular tachycardia 1. Also called: RYR2-Related Catecholaminergic Polymorphic Ventricular Tachycardia; VENTRICULAR TACHYCARDIA, CATECHOLAMINERGIC POLYMORPHIC, 1, WITH OR WITHOUT ATRIAL DYSFUNCTION AND/OR DILATED CARDIOMYOPATHY; VENTRICULAR TACHYCARDIA, STRESS-INDUCED POLYMORPHIC 1. Identifiers: Orphanet 3286, MedGen C1631597, MONDO:0011484, OMIM 604772.

Submissions (7):

Clinical Genomics Laboratory, Washington University in St. Louis
Classification: Pathogenic for Catecholaminergic polymorphic ventricular tachycardia 1. Last evaluated: 2026-04-29. Review status: criteria provided, single submitter. Criteria: ACMG Guidelines, 2015. Collection method: clinical testing. Allele origin: germline. Affected: yes.
Comment: The RYR2 c.7202G>A (p.Arg2401His) variant has been reported in several individuals affected with CPVT (Aizawa Y et al., PMID: 15749201; Roston TM et al., PMID: 25713214; Roux-Buisson N, et al., PMID: 20851825; van der Werf C et al., PMID: 21616285). This variant has been reported as occurring de novo in a drowning victim and in an individual with CPVT (Liu X et al., PMID: 28100344; Tester DJ et al., PMID: 21964171). This variant has been reported in the ClinVar database as a germline pathogenic variant by three submitters and a likely pathogenic variant by three submitters. This variant is absent from the general population (gnomAD v2.1.1), indicating it is not a common variant. Computational predictors indicate that the variant is damaging, evidence that correlates with impact to RYR2 function. A different amino acid change in the same codon, p.Arg2401Leu, has been reported in at least one individual with CPVT (Creighton W et al., PMID: 16436635). Based on available information and the ACMG/AMP guidelines for variant interpretation (Richards S et al., PMID: 25741868), this variant is classified as pathogenic.

Dasa
Classification: Pathogenic. Last evaluated: 2025-09-05. Review status: criteria provided, single submitter. Criteria: DASA Assertion Criteria. Collection method: clinical testing. Allele origin: germline.
Comment: NM_001035.3(RYR2):c.7202G>A (p.Arg2401His) is a missense variant that results in the substitution of arginine with histidine. The affected residue or protein region has prior evidence supporting clinical relevance. De novo occurrence has been reported in an individual with related phenotype. This variant has been recurrently observed in individuals with related phenotype (PMID: 21964171; PMID: 28100344; PMID: 30403697; PMID: 31337358; PMID: 16436635). Multiple computational predictions support a deleterious effect on the gene or gene product. The variant is present at low frequency in population datasets. Based on the available data, this variant is classified as pathogenic.

CeGaT Center for Human Genetics Tuebingen
Classification: Pathogenic. Last evaluated: 2022-04-01. Review status: criteria provided, single submitter. Criteria: CeGaT Center For Human Genetics Tuebingen Variant Classification Criteria Version 2. Collection method: clinical testing. Allele origin: germline. Affected: yes. Observed: 1 variant allele.
Comment: RYR2: PM1, PM2, PM5, PS4:Moderate, PP3, PP4

Labcorp Genetics (formerly Invitae), Labcorp
Classification: Pathogenic for Catecholaminergic polymorphic ventricular tachycardia 1. Last evaluated: 2021-06-16. Review status: criteria provided, single submitter. Criteria: Invitae Variant Classification Sherloc (09022015). Collection method: clinical testing. Allele origin: germline.
Comment: For these reasons, this variant has been classified as Pathogenic. Advanced modeling of protein sequence and biophysical properties (such as structural, functional, and spatial information, amino acid conservation, physicochemical variation, residue mobility, and thermodynamic stability) performed at Invitae indicates that this missense variant is expected to disrupt RYR2 protein function. This variant has been observed in individual(s) with catecholaminergic polymorphic ventricular tachycardia (PMID: 15749201, 20851825, 28100344). In at least one individual the variant was observed to be de novo. ClinVar contains an entry for this variant (Variation ID: 201279). This variant is not present in population databases (ExAC no frequency). This sequence change replaces arginine with histidine at codon 2401 of the RYR2 protein (p.Arg2401His). The arginine residue is highly conserved and there is a small physicochemical difference between arginine and histidine.

MVZ Martinsried, Medicover Genetics
Classification: Likely pathogenic for Catecholaminergic polymorphic ventricular tachycardia 1. Last evaluated: 2021-05-17. Review status: criteria provided, single submitter. Criteria: ACGS Guidelines, 2020. Collection method: clinical testing. Allele origin: unknown. Affected: yes.

GeneDx
Classification: Pathogenic. Last evaluated: 2019-06-04. Review status: criteria provided, single submitter. Criteria: GeneDx Variant Classification Process June 2021. Collection method: clinical testing. Allele origin: germline. Affected: yes.
Comment: Reported in ClinVar but additional evidence is not available (ClinVar Variant ID# 201279; Landrum et al., 2016); Not observed in large population cohorts (Lek et al., 2016); In silico analysis, which includes protein predictors and evolutionary conservation, supports a deleterious effect; Is located in one of the three hot-spot regions of the RYR2 gene, where the majority of pathogenic missense variants occur (Medeiros-Domingo et al., 2009); A different missense change at this residue (R2401L) has been reported in the published literature in association with CPVT (Creighton et al., 2006); This variant is associated with the following publications: (PMID: 24136861, 15749201, 24025405, 19926015, 21964171, 20646679, 21616285, 25713214, 29453246, 25844899, 28449774, 30403697, 28152038, 20851825, 28100344, 31337358)

Ambry Genetics
Classification: Likely pathogenic for Cardiovascular phenotype. Last evaluated: 2017-06-27. Review status: criteria provided, single submitter. Criteria: Ambry Autosomal Dominant and X-Linked criteria (3/2017). Collection method: clinical testing. Allele origin: germline. Observed: 1 variant allele.
Comment: The p.R2401H variant (also known as c.7202G>A), located in coding exon 47 of the RYR2 gene, results from a G to A substitution at nucleotide position 7202. The arginine at codon 2401 is replaced by histidine, an amino acid with highly similar properties. This alteration has been detected in patients with known or suspected catecholaminergic polymorphic ventricular tachycardia (CPVT) (Aizawa Y et al. Int J Cardiol. 2005;99(2):343-345; Liu J et al. Acta Cardiol Sin. 2011;27:115-119; van der Werf C et al. J Am Coll Cardiol. 2011;57:2244-54; Roston TM et al. Circ Arrhythm Electrophysiol. 2015;8:633-42). In one case, this alteration was detected in a proband with CPVT whose asymptomatic mother was reportedly mosaic (Roux-Buisson N et al. Europace. 2011;13:130-2). This amino acid position is highly conserved in available vertebrate species. In addition, this alteration is predicted to be deleterious by in silico analysis. Based on the majority of available evidence to date, this variant is likely to be pathogenic.

Literature cited by the submitters: PubMed 21964171 (cited by Dasa and Ambry Genetics); PubMed 28100344 (cited by 3 submitters); PubMed 30403697 (cited by Dasa); PubMed 31337358 (cited by Dasa); PubMed 16436635 (cited by Dasa and Ambry Genetics); PubMed 21616285 (cited by Dasa and Ambry Genetics); PubMed 25713214 (cited by Dasa and Ambry Genetics); PubMed 24025405 (cited by Dasa and Ambry Genetics); PubMed 20851825 (cited by 3 submitters); PubMed 15749201 (cited by Labcorp Genetics (formerly Invitae), Labcorp and Ambry Genetics); PubMed 19926015 (cited by Ambry Genetics); PubMed 24136861 (cited by Ambry Genetics).

NM_001035.3(RYR2):c.7202G>A (p.Arg2401His)

Gene: RYR2 (ryanodine receptor 2; plus strand). Cytogenetic location: 1q43.
Variant type: single nucleotide variant.
Coding change: c.7202G>A on transcript NM_001035.3 (MANE Select); coding-DNA position 7202, G replaced by A.
Protein change: p.Arg2401His; replaces arginine 2401 with histidine.
Molecular consequence: missense variant.
Genome position (GRCh38, 1-based): chr1:237,640,983, G>A. VCF-style: chr1-237640983-G-A. GRCh37 (hg19) VCF-style: chr1-237804283-G-A.
Other names: p.R2401H:CGC>CAC; c.7202G>A, p.Arg2401His (LRG_402t1); short protein forms R2401H.
Identifiers: ClinVar variation 201279 (VCV000201279.47), dbSNP rs794728756, ClinGen allele CA010625.